The following is an entry in ClinVar:

NM_004736.4(XPR1):c.118G>T (p.Glu40Ter)

Gene: XPR1 (xenotropic and polytropic retrovirus receptor 1; plus strand). Cytogenetic location: 1q25.3.
Variant type: single nucleotide variant.
Coding change: c.118G>T on transcript NM_004736.4 (MANE Select); coding-DNA position 118, G replaced by T.
Protein change: p.Glu40Ter; replaces glutamic acid 40 with a stop codon.
Molecular consequence: nonsense. On other transcripts: non-coding transcript variant (1).
Genome position (GRCh38, 1-based): chr1:180,682,408, G>T. VCF-style: chr1-180682408-G-T. GRCh37 (hg19) VCF-style: chr1-180651544-G-T.
Other names: c.118G>T, p.Glu40Ter (NM_001135669.2, NM_001328662.2); short protein forms E40*.
Identifiers: ClinVar variation 4976182 (VCV004976182.1).

ClinVar aggregate classification (germline): Uncertain significance (1 of 4 stars; one submission).

Submission:

GeneDx
Classification: Uncertain significance. Last evaluated: 2026-02-10. Review status: criteria provided, single submitter. Criteria: GeneDx Variant Classification Process June 2021. Collection method: clinical testing. Allele origin: germline.
Comment: Nonsense variant predicted to result in protein truncation or nonsense mediated decay in a gene or region of a gene for which loss of function is not a well-established mechanism of disease; Not observed at significant frequency in large population cohorts (gnomAD); Has not been previously published as pathogenic or benign to our knowledge